The following is an entry in ClinVar:

ClinVar aggregate classification (germline): Uncertain significance (1 of 4 stars; one submission).

Submission:

Labcorp Genetics (formerly Invitae), Labcorp
Classification: Uncertain significance. Last evaluated: 2021-06-17. Review status: criteria provided, single submitter. Criteria: Invitae Variant Classification Sherloc (09022015). Collection method: clinical testing. Allele origin: germline.
Comment: This sequence change replaces isoleucine with leucine at codon 2840 of the UNC80 protein (p.Ile2840Leu). The isoleucine residue is moderately conserved and there is a small physicochemical difference between isoleucine and leucine. Algorithms developed to predict the effect of missense changes on protein structure and function are either unavailable or do not agree on the potential impact of this missense change (SIFT: "Not Available"; PolyPhen-2: "Benign"; Align-GVGD: "Not Available"). This variant is not present in population databases (ExAC no frequency). This variant has not been reported in the literature in individuals with UNC80-related conditions. In summary, the available evidence is currently insufficient to determine the role of this variant in disease. Therefore, it has been classified as a Variant of Uncertain Significance.

NM_001371986.1(UNC80):c.8716A>C (p.Ile2906Leu)

Gene: UNC80 (unc-80 subunit of NALCN channel complex; plus strand). Cytogenetic location: 2q34.
Variant type: single nucleotide variant.
Coding change: c.8716A>C on transcript NM_001371986.1 (MANE Select); coding-DNA position 8716, A replaced by C.
Protein change: p.Ile2906Leu; replaces isoleucine 2906 with leucine.
Molecular consequence: missense variant.
Genome position (GRCh38, 1-based): chr2:209,976,247, A>C. VCF-style: chr2-209976247-A-C. GRCh37 (hg19) VCF-style: chr2-210840971-A-C.
Other names: c.8518A>C, p.Ile2840Leu (NM_032504.2); c.8503A>C, p.Ile2835Leu (NM_182587.4); short protein forms I2835L, I2840L, I2906L.
Identifiers: ClinVar variation 1414375 (VCV001414375.6), dbSNP rs2125016845, ClinGen allele CA350413864.